The following is an entry in ClinVar:

NM_003482.4(KMT2D):c.15787G>A (p.Val5263Met)

Gene: KMT2D (lysine methyltransferase 2D; minus strand). Cytogenetic location: 12q13.12.
Variant type: single nucleotide variant.
Coding change: c.15787G>A on transcript NM_003482.4 (MANE Select); coding-DNA position 15787, G replaced by A.
Protein change: p.Val5263Met; replaces valine 5263 with methionine.
Molecular consequence: missense variant.
Genome position (GRCh38, 1-based): chr12:49,024,944, C>T on the plus strand (G>A on the coding strand, the complement: KMT2D is on the minus strand). VCF-style: chr12-49024944-C-T. GRCh37 (hg19) VCF-style: chr12-49418727-C-T.
Other names: short protein forms V5263M.
Identifiers: ClinVar variation 94187 (VCV000094187.13), dbSNP rs398123731, ClinGen allele CA222040.
Genomic context (GRCh38, chr12:49,024,944, plus strand): 5'-GTCGCAGCATGTCAGCCTCTTTTCTCATGGCAGCCACAGGCTCAATGATGCGATTCCACA[C>T]GGCTAAGAAGCAGGGAAGAGAGCAGTCCTCAGAGGCAACTTCTGCTCACTGACCTCCAGT-3'
Protein context (NP_003473.3, residues 5253-5273): LVFTDASPQA[Val5263Met]WNRIIEPVAA

ClinVar aggregate classification (germline): Uncertain significance. Review status: criteria provided, multiple submitters, no conflicts (2 of 4 stars). 5 submissions from 5 submitters: Uncertain significance (5). Last evaluated 2024-11-01.

Conditions:
Kabuki syndrome 1 (KABUK1). Also called: KMT2D-Related Kabuki Syndrome. Identifiers: Orphanet 2322, MedGen CN030661, MONDO:0007843, OMIM 147920.
Choanal atresia-athelia-hypothyroidism-delayed puberty-short stature syndrome (BCAHH). Also called: BRANCHIAL ARCH ABNORMALITIES, CHOANAL ATRESIA, ATHELIA, HEARING LOSS, AND HYPOTHYROIDISM SYNDROME. Identifiers: Orphanet 589856, MedGen C5680310, MONDO:0035651, OMIM 620186.
Kabuki syndrome. Also called: NIIKAWA-KUROKI SYNDROME; Kabuki make-up syndrome. Identifiers: Orphanet 2322, MedGen C0796004, MONDO:0016512.

Allele frequency attached by ClinVar (database versions not stated): TOPMed 0.00001.
gnomAD v4.1: 8 of 1,590,212 alleles (0.0005%); highest among the groups gnomAD compares: East Asian, 0.0023%; no homozygotes.

Submissions (5):

ARUP Laboratories, Molecular Genetics and Genomics, ARUP Laboratories
Classification: Uncertain significance. Last evaluated: 2024-11-01. Review status: criteria provided, single submitter. Criteria: ARUP Molecular Germline Variant Investigation Process 2024. Collection method: clinical testing. Allele origin: germline.
Comment: The KMT2D c.15787G>A; p.Val5263Met variant (rs398123731), to our knowledge, is not reported in the medical literature but is reported in ClinVar (Variation ID: 94187). This variant is also absent from the Genome Aggregation Database (v2.1.1), indicating it is not a common polymorphism. Computational analyses are uncertain whether this variant is neutral or deleterious (REVEL: 0.229). Due to limited information, the clinical significance of this variant is uncertain at this time.

Fulgent Genetics
Classification: Uncertain significance for Kabuki syndrome 1; Choanal atresia-athelia-hypothyroidism-delayed puberty-short stature syndrome. Last evaluated: 2024-05-26. Review status: criteria provided, single submitter. Criteria: ACMG Guidelines, 2015. Collection method: clinical testing. Allele origin: germline.

Labcorp Genetics (formerly Invitae), Labcorp
Classification: Uncertain significance for Kabuki syndrome. Last evaluated: 2024-04-20. Review status: criteria provided, single submitter. Criteria: Invitae Variant Classification Sherloc (09022015). Collection method: clinical testing. Allele origin: germline.
Comment: This sequence change replaces valine, which is neutral and non-polar, with methionine, which is neutral and non-polar, at codon 5263 of the KMT2D protein (p.Val5263Met). This variant is not present in population databases (gnomAD no frequency). This variant has not been reported in the literature in individuals affected with KMT2D-related conditions. ClinVar contains an entry for this variant (Variation ID: 94187). Experimental studies and prediction algorithms are not available or were not evaluated, and the functional significance of this variant is currently unknown. In summary, the available evidence is currently insufficient to determine the role of this variant in disease. Therefore, it has been classified as a Variant of Uncertain Significance.

GeneDx
Classification: Uncertain significance. Last evaluated: 2022-03-08. Review status: criteria provided, single submitter. Criteria: GeneDx Variant Classification Process June 2021. Collection method: clinical testing. Allele origin: germline. Affected: yes.
Comment: Not observed at significant frequency in large population cohorts (gnomAD); In silico analysis supports that this missense variant has a deleterious effect on protein structure/function; Has not been previously published as pathogenic or benign to our knowledge

Eurofins Ntd Llc (ga)
Classification: Uncertain significance. Last evaluated: 2012-11-20. Review status: criteria provided, single submitter. Criteria: EGL Classification Definitions 2015. Collection method: clinical testing. Allele origin: germline. Observed: 2 variant alleles, 2 heterozygotes.